The following is an entry in ClinVar:

ClinVar aggregate classification (germline): Uncertain significance (1 of 4 stars; one submission).

Allele frequency attached by ClinVar (database versions not stated): gnomAD exomes below 0.00001.
gnomAD v4.1: 3 of 1,614,136 alleles (0.00019%); highest among the groups gnomAD compares: Non-Finnish European, 0.00025%; no homozygotes.

Submission:

Labcorp Genetics (formerly Invitae), Labcorp
Classification: Uncertain significance. Last evaluated: 2024-06-03. Review status: criteria provided, single submitter. Criteria: Invitae Variant Classification Sherloc (09022015). Collection method: clinical testing. Allele origin: germline.
Comment: This sequence change replaces tryptophan, which is neutral and slightly polar, with arginine, which is basic and polar, at codon 371 of the PCARE protein (p.Trp371Arg). This variant is not present in population databases (gnomAD no frequency). This variant has not been reported in the literature in individuals affected with PCARE-related conditions. ClinVar contains an entry for this variant (Variation ID: 2015098). An algorithm developed to predict the effect of missense changes on protein structure and function (PolyPhen-2) suggests that this variant is likely to be disruptive. In summary, the available evidence is currently insufficient to determine the role of this variant in disease. Therefore, it has been classified as a Variant of Uncertain Significance.

NM_001029883.3(PCARE):c.1111T>C (p.Trp371Arg)

Gene: PCARE (photoreceptor cilium actin regulator; minus strand). Cytogenetic location: 2p23.2.
Variant type: single nucleotide variant.
Coding change: c.1111T>C on transcript NM_001029883.3 (MANE Select); coding-DNA position 1111, T replaced by C.
Protein change: p.Trp371Arg; replaces tryptophan 371 with arginine.
Molecular consequence: missense variant.
Genome position (GRCh38, 1-based): chr2:29,073,151, A>G on the plus strand (T>C on the coding strand, the complement: PCARE is on the minus strand). VCF-style: chr2-29073151-A-G. GRCh37 (hg19) VCF-style: chr2-29296017-A-G.
Other names: short protein forms W371R.
Identifiers: ClinVar variation 2015098 (VCV002015098.4), dbSNP rs2465278375, ClinGen allele CA346480875.
Genomic context (GRCh38, chr2:29,073,151, plus strand): 5'-TGGCCTCTGTGTGGGGTGAAGTCACCGACTTCCATTCTTCGGGCTCTGGTGCAAGGTCCC[A>G]GCTGGTTTGCTTGCCCAGCTTGTCCACCGACTGCACGGACTCATTGTCAGCACCAATGCC-3'
Protein context (NP_001025054.1, residues 361-381): SVDKLGKQTS[Trp371Arg]DLAPEPEEWK